The following is an entry in ClinVar:

NM_001377540.1(SLMAP):c.860C>A (p.Thr287Asn)

Gene: SLMAP (sarcolemma associated protein; plus strand). Cytogenetic location: 3p14.3.
Variant type: single nucleotide variant.
Coding change: c.860C>A on transcript NM_001377540.1 (MANE Select); coding-DNA position 860, C replaced by A.
Protein change: p.Thr287Asn; replaces threonine 287 with asparagine.
Molecular consequence: missense variant. On other transcripts: non-coding transcript variant (1).
Genome position (GRCh38, 1-based): chr3:57,861,980, C>A. VCF-style: chr3-57861980-C-A. GRCh37 (hg19) VCF-style: chr3-57847707-C-A.
Other names: c.860C>A, p.Thr287Asn (NM_001304420.3, NM_001304421.2, NM_001377538.1 and 17 more transcripts); short protein forms T287N.
Identifiers: ClinVar variation 2625278 (VCV002625278.2), dbSNP rs2473437822, ClinGen allele CA353407858.

ClinVar aggregate classification (germline): Uncertain significance (1 of 4 stars; one submission).

Submission:

Ambry Genetics
Classification: Uncertain significance. Last evaluated: 2023-07-13. Review status: criteria provided, single submitter. Criteria: Ambry Variant Classification Scheme 2023. Collection method: clinical testing. Allele origin: germline.
Comment: The p.T287N variant (also known as c.860C>A), located in coding exon 9 of the SLMAP gene, results from a C to A substitution at nucleotide position 860. The threonine at codon 287 is replaced by asparagine, an amino acid with similar properties. This amino acid position is conserved. In addition, this alteration is predicted to be tolerated by in silico analysis. Since supporting evidence is limited at this time, the clinical significance of this alteration remains unclear.